The following is an entry in ClinVar:

NM_000444.6(PHEX):c.1806del (p.Trp602fs)

Genes: PHEX (phosphate regulating endopeptidase X-linked; plus strand), PTCHD1-AS (PTCHD1 and PHEX antisense RNA; minus strand). Cytogenetic location: Xp22.11.
Variant type: Deletion.
Coding change: c.1806del on transcript NM_000444.6 (MANE Select); coding-DNA position 1806, one base deleted (G; older notation c.1806delG).
Protein change: p.Trp602fs; shifts the reading frame from tryptophan 602.
Molecular consequence: frameshift variant.
Genome position (GRCh38, 1-based): chrX:22,221,650, G deleted; the last of 2 consecutive G bases (chrX:22,221,649-22,221,650); deleting either gives the same sequence. VCF-style (leftmost placement, unchanged base first): chrX-22221648-TG-T. GRCh37 (hg19) VCF-style: chrX-22239765-TG-T.
Other names: c.1806del, p.Trp602fs (NM_001282754.2); short protein forms W602fs.
Identifiers: ClinVar variation 959948 (VCV000959948.9), dbSNP rs1935270550, ClinGen allele CA1139667312.

ClinVar aggregate classification (germline): Pathogenic (1 of 4 stars; one submission).

Submission:

Labcorp Genetics (formerly Invitae), Labcorp
Classification: Pathogenic. Last evaluated: 2021-04-16. Review status: criteria provided, single submitter. Criteria: Invitae Variant Classification Sherloc (09022015). Collection method: clinical testing. Allele origin: germline.
Comment: For these reasons, this variant has been classified as Pathogenic. This variant has been observed in individual(s) with hypophosphatemia (Invitae). ClinVar contains an entry for this variant (Variation ID: 959948). This variant is not present in population databases (ExAC no frequency). This sequence change creates a premature translational stop signal (p.Trp602Cysfs*17) in the PHEX gene. It is expected to result in an absent or disrupted protein product. Loss-of-function variants in PHEX are known to be pathogenic (PMID: 9097956, 9106524, 19219621).

Literature cited by the submitters: PubMed 9097956; PubMed 9106524; PubMed 19219621.